The following is an entry in ClinVar:

NM_020778.5(ALPK3):c.1768A>T (p.Met590Leu)

Gene: ALPK3 (alpha kinase 3; plus strand). Cytogenetic location: 15q25.3.
Variant type: single nucleotide variant.
Coding change: c.1768A>T on transcript NM_020778.5 (MANE Select); coding-DNA position 1768, A replaced by T.
Protein change: p.Met590Leu; replaces methionine 590 with leucine.
Molecular consequence: missense variant.
Genome position (GRCh38, 1-based): chr15:84,856,506, A>T. VCF-style: chr15-84856506-A-T. GRCh37 (hg19) VCF-style: chr15-85399737-A-T.
Other names: short protein forms M590L.
Identifiers: ClinVar variation 3006127 (VCV003006127.3), dbSNP rs745571307, ClinGen allele CA7709291.

ClinVar aggregate classification (germline): Uncertain significance (1 of 4 stars; one submission).

Allele frequency attached by ClinVar (database versions not stated): ExAC 0.00001; gnomAD 0.00001; TOPMed 0.00001.
gnomAD v4.1: 22 of 1,614,080 alleles (0.0014%); highest among the groups gnomAD compares: Non-Finnish European, 0.0019%; no homozygotes.

Submission:

Labcorp Genetics (formerly Invitae), Labcorp
Classification: Uncertain significance. Last evaluated: 2023-01-17. Review status: criteria provided, single submitter. Criteria: Invitae Variant Classification Sherloc (09022015). Collection method: clinical testing. Allele origin: germline.
Comment: This variant has not been reported in the literature in individuals affected with ALPK3-related conditions. This variant is present in population databases (rs745571307, gnomAD 0.002%). This sequence change replaces methionine, which is neutral and non-polar, with leucine, which is neutral and non-polar, at codon 792 of the ALPK3 protein (p.Met792Leu). Algorithms developed to predict the effect of missense changes on protein structure and function (SIFT, PolyPhen-2, Align-GVGD) all suggest that this variant is likely to be tolerated. In summary, the available evidence is currently insufficient to determine the role of this variant in disease. Therefore, it has been classified as a Variant of Uncertain Significance.